The following is an entry in ClinVar:

NR_199791.1(RNU2-2):n.174A>C

Genes: RNU2-2 (RNA, U2 small nuclear 2; minus strand), WDR74 (WD repeat domain 74; minus strand). Cytogenetic location: 11q12.3.
Variant type: single nucleotide variant.
Molecular consequence: non-coding transcript variant (on NR_199791.1). On other transcripts: 5 prime UTR variant (1).
Genome position: GRCh38 VCF-style: chr11-62841636-T-G. GRCh37 (hg19) VCF-style: chr11-62609108-T-G.
Other names: c.-365A>C (NM_001369451.1).
Identifiers: ClinVar variation 4540539 (VCV004540539.1).
Genomic context (GRCh38, chr11:62,841,636, plus strand): 5'-GATCGAAATCTTCCATTAAACAACGGTTGTTCTCTCCCCGAAGGGAGAGTGCACCGTTCC[T>G]GGAAGTACTGCAATACCAGGTCGATGCGTGGAGTGGACGGAGCAAGCTCCTATTCCATCT-3'

ClinVar aggregate classification (germline): Uncertain significance (1 of 4 stars; one submission).

Submission:

Institute for Human Genetics, University Hospital Essen
Classification: Uncertain significance. Last evaluated: 2025-11-27. Review status: criteria provided, single submitter. Criteria: Submitter's publication. Collection method: clinical testing. Allele origin: inherited. Inheritance: Autosomal unknown. Affected: yes. Observed: 1 variant allele, 1 compound heterozygote.
Comment: PM1_supp, PM2_supp (criteria rationale detailed in Leitão et al. Nature Genetics 2026)